The following is an entry in ClinVar:

GRCh38/hg38 7q11.23(chr7:73286412-74723034)x1

Genes: ABHD11 (abhydrolase domain containing 11; minus strand), ABHD11-AS1 (ABHD11 antisense RNA 1 (tail to tail); plus strand), BAZ1B (bromodomain adjacent to zinc finger domain 1B; minus strand), BCL7B (BAF chromatin remodeling complex subunit BCL7B; minus strand), BUD23 (BUD23 rRNA methyltransferase and ribosome maturation factor; plus strand) and 127 more. Cytogenetic location: 7q11.23.
Variant type: copy number loss.
Change: copy number 1 (one copy instead of two) of chr7:73,286,412-74,723,034 (1.44 Mb, GRCh38 coordinates, 1-based), cytogenetic band 7q11.23.
Identifiers: ClinVar variation 59316 (VCV000059316.2).

ClinVar aggregate classification (germline): Pathogenic (1 of 4 stars; one submission).

Submission:

ISCA Site 6
Classification: Pathogenic. Last evaluated: 2011-08-12. Review status: criteria provided, single submitter. Criteria: Kaminsky et al. (Genet Med. 2011). Collection method: clinical testing. Allele origin: unknown. Affected: yes. Observed: 2 variant alleles.
Comment: Copy number variation identified through the course of routine clinical cytogenomic testing in postnatal populations. Clinical assertions have been curated as described in Kaminsky et al. 2011.